The following is an entry in ClinVar:

NM_001040108.2(MLH3):c.4281_4282delinsCA (p.Gln1427_Ala1428delinsHisThr)

Gene: MLH3 (mutL homolog 3; minus strand). Cytogenetic location: 14q24.3.
Variant type: Indel.
Coding change: c.4281_4282delinsCA on transcript NM_001040108.2 (MANE Select); coding-DNA positions 4281 to 4282, GG replaced by CA.
Protein change: p.Gln1427_Ala1428delinsHisThr.
Molecular consequence: missense variant.
Genome position (GRCh38, 1-based): chr14:75,017,162-75,017,163, CC replaced by TG on the plus strand (GG replaced by CA on the coding strand, the reverse complement: MLH3 is on the minus strand). VCF-style: chr14-75017162-CC-TG. GRCh37 (hg19) VCF-style: chr14-75483865-CC-TG.
Other names: c.4209_4210delinsCA, p.Gln1403_Ala1404delinsHisThr (NM_014381.3).
Identifiers: ClinVar variation 2056099 (VCV002056099.4), dbSNP rs2503032864, ClinGen allele CA2580088814.

ClinVar aggregate classification (germline): Uncertain significance (1 of 4 stars; one submission).

Conditions:
Colorectal cancer, hereditary nonpolyposis, type 7. Identifiers: Orphanet 144, MedGen C1858380, MONDO:0013725, OMIM 614385.

Submission:

Labcorp Genetics (formerly Invitae), Labcorp
Classification: Uncertain significance for Colorectal cancer, hereditary nonpolyposis, type 7. Last evaluated: 2024-10-08. Review status: criteria provided, single submitter. Criteria: Invitae Variant Classification Sherloc (09022015). Collection method: clinical testing. Allele origin: germline.
Comment: This variant, c.4281_4282delinsCA, is a complex sequence change that results in the deletion of 2 and insertion of 2 amino acid(s) in the MLH3 protein (p.Gln1427_Ala1428delinsHisThr). Information on the frequency of this variant in the gnomAD database is not available, as this variant may be reported differently in the database. This variant has not been reported in the literature in individuals affected with MLH3-related conditions. ClinVar contains an entry for this variant (Variation ID: 2056099). Experimental studies and prediction algorithms are not available or were not evaluated, and the functional significance of this variant is currently unknown. In summary, the available evidence is currently insufficient to determine the role of this variant in disease. Therefore, it has been classified as a Variant of Uncertain Significance.